The following is an entry in ClinVar:

ClinVar aggregate classification (germline): Likely pathogenic (1 of 4 stars; one submission).

Submission:

GeneDx
Classification: Likely pathogenic. Last evaluated: 2022-12-06. Review status: criteria provided, single submitter. Criteria: GeneDx Variant Classification Process June 2021. Collection method: clinical testing. Allele origin: germline. Affected: yes.
Comment: Not observed in large population cohorts (gnomAD); In silico analysis supports that this missense variant has a deleterious effect on protein structure/function; Has not been previously published as pathogenic or benign to our knowledge

NM_006015.6(ARID1A):c.6698G>A (p.Arg2233Gln)

Gene: ARID1A (AT-rich interaction domain 1A; plus strand). Cytogenetic location: 1p36.11.
Variant type: single nucleotide variant.
Coding change: c.6698G>A on transcript NM_006015.6 (MANE Select); coding-DNA position 6698, G replaced by A.
Protein change: p.Arg2233Gln; replaces arginine 2233 with glutamine.
Molecular consequence: missense variant.
Genome position (GRCh38, 1-based): chr1:26,780,596, G>A. VCF-style: chr1-26780596-G-A. GRCh37 (hg19) VCF-style: chr1-27107087-G-A.
Other names: c.6047G>A, p.Arg2016Gln (NM_139135.4); short protein forms R2016Q, R2233Q.
Identifiers: ClinVar variation 1803502 (VCV001803502.1), dbSNP rs2124151986, ClinGen allele CA339193710.